The following is an entry in ClinVar:

ClinVar aggregate classification (germline): Uncertain significance. Review status: criteria provided, multiple submitters, no conflicts (2 of 4 stars). 3 submissions from 3 submitters: Uncertain significance (3). Last evaluated 2025-07-29.

Conditions:
TAOK2-related disorder. Also called: TAOK2-related condition.

Allele frequency attached by ClinVar (database versions not stated): gnomAD exomes below 0.00001; TOPMed 0.00002.
gnomAD v4.1: 1 of 1,612,616 alleles (0.000062%); highest among the groups gnomAD compares: Non-Finnish European, 0.000085%; no homozygotes.

Submissions (3):

Labcorp Genetics (formerly Invitae), Labcorp
Classification: Uncertain significance. Last evaluated: 2025-07-29. Review status: criteria provided, single submitter. Criteria: Invitae Variant Classification Sherloc (09022015). Collection method: clinical testing. Allele origin: germline.
Comment: This sequence change replaces glycine, which is neutral and non-polar, with serine, which is neutral and polar, at codon 1110 of the TAOK2 protein (p.Gly1110Ser). This variant is not present in population databases (gnomAD no frequency). This variant has not been reported in the literature in individuals affected with TAOK2-related conditions. ClinVar contains an entry for this variant (Variation ID: 2075865). An algorithm developed to predict the effect of missense changes on protein structure and function (PolyPhen-2) suggests that this variant is likely to be disruptive. In summary, the available evidence is currently insufficient to determine the role of this variant in disease. Therefore, it has been classified as a Variant of Uncertain Significance.

Ambry Genetics
Classification: Uncertain significance. Last evaluated: 2024-01-08. Review status: criteria provided, single submitter. Criteria: Ambry Variant Classification Scheme 2023. Collection method: clinical testing. Allele origin: germline.

PreventionGenetics, part of Exact Sciences
Classification: Uncertain significance for TAOK2-related condition. Last evaluated: 2023-02-23. Review status: criteria provided, single submitter. Criteria: ACMG Guidelines, 2015. Collection method: clinical testing. Allele origin: germline.
Comment: The TAOK2 c.3328G>A variant is predicted to result in the amino acid substitution p.Gly1110Ser. To our knowledge, this variant has not been reported in the literature or in a large population database, indicating this variant is rare. At this time, the clinical significance of this variant is uncertain due to the absence of conclusive functional and genetic evidence.

NM_016151.4(TAOK2):c.3328G>A (p.Gly1110Ser)

Gene: TAOK2 (TAO kinase 2; plus strand). Cytogenetic location: 16p11.2.
Variant type: single nucleotide variant.
Coding change: c.3328G>A on transcript NM_016151.4 (MANE Select); coding-DNA position 3328, G replaced by A.
Protein change: p.Gly1110Ser; replaces glycine 1110 with serine.
Molecular consequence: missense variant. On other transcripts: intron variant (1).
Genome position (GRCh38, 1-based): chr16:29,987,600, G>A. VCF-style: chr16-29987600-G-A. GRCh37 (hg19) VCF-style: chr16-29998921-G-A.
Other names: c.3328G>A (NM_016151.3, NM_016151.2); c.2989G>A, p.Gly997Ser (NM_001252043.2); c.2232+1096G>A (NM_004783.4); short protein forms G1110S, G997S.
Identifiers: ClinVar variation 2075865 (VCV002075865.6), dbSNP rs1013415121, ClinGen allele CA280400928.
Genomic context (GRCh38, chr16:29,987,600, plus strand): 5'-CTGCGCCTGTCACCCATGGCCTTCCGGGCCCTGCAGGGCTGTGGGGCTGTGGGGGACCGG[G>A]GTCTGTTTGCACTGTACCCCAAAACCAACAAGGATGGCTTCCGCAGCCGCCTGCCCGTCC-3'
Protein context (NP_057235.2, residues 1100-1120): LQGCGAVGDR[Gly1110Ser]LFALYPKTNK